The following is an entry in ClinVar:

ClinVar aggregate classification (germline): Uncertain significance. Review status: criteria provided, multiple submitters, no conflicts (2 of 4 stars). 5 submissions from 5 submitters: Uncertain significance (5). Last evaluated 2024-05-30.

Conditions:
Familial adenomatous polyposis 1 (FAP1). Also called: POLYPOSIS, ADENOMATOUS INTESTINAL; FAMILIAL ADENOMATOUS POLYPOSIS 1, ATTENUATED. Identifiers: MedGen C2713442, MONDO:0021056, OMIM 175100. Disease mechanism: loss of function.
Hereditary cancer-predisposing syndrome. Also called: Tumor predisposition; Hereditary Cancer Syndrome; Neoplastic Syndromes, Hereditary; Hereditary neoplastic syndrome. Identifiers: Orphanet 140162, MedGen C0027672, MeSH D009386, MONDO:0015356.

Allele frequency attached by ClinVar (database versions not stated): gnomAD exomes below 0.00001.
gnomAD v4.1: 2 of 1,613,612 alleles (0.00012%); highest among the groups gnomAD compares: Non-Finnish European, 0.000085%; no homozygotes.

Submissions (5):

Ambry Genetics
Classification: Uncertain significance for Hereditary cancer-predisposing syndrome. Last evaluated: 2024-05-30. Review status: criteria provided, single submitter. Criteria: Ambry Variant Classification Scheme 2023. Collection method: clinical testing. Allele origin: germline.
Comment: The p.G2409R variant (also known as c.7225G>A), located in coding exon 15 of the APC gene, results from a G to A substitution at nucleotide position 7225. The glycine at codon 2409 is replaced by arginine, an amino acid with dissimilar properties. Missense alterations in APC are not a common cause of disease (Spier I et al. Genet Med. 2024 Feb;26(2):100992). This amino acid position is well conserved in available vertebrate species. In addition, in silico predictors for this gene do not accurately predict pathogenicity. Based on the available evidence, the clinical significance of this variant remains unclear.

Quest Diagnostics Nichols Institute San Juan Capistrano
Classification: Uncertain significance. Last evaluated: 2024-04-12. Review status: criteria provided, single submitter. Criteria: Quest Diagnostics criteria. Collection method: clinical testing. Allele origin: unknown.
Comment: The APC c.7225G>A (p.Gly2409Arg) variant has been reported in the published literature in a reportedly healthy individual (PMID: 36243179 (2022)). This variant has not been reported in large, multi-ethnic general populations (Genome Aggregation Database). Analysis of this variant using bioinformatics tools for the prediction of the effect of amino acid changes on protein structure and function yielded conflicting predictions that this variant is benign or damaging. Based on the available information, we are unable to determine the clinical significance of this variant.

Labcorp Genetics (formerly Invitae), Labcorp
Classification: Uncertain significance for Familial adenomatous polyposis 1. Last evaluated: 2023-11-08. Review status: criteria provided, single submitter. Criteria: Invitae Variant Classification Sherloc (09022015). Collection method: clinical testing. Allele origin: germline.
Comment: This sequence change replaces glycine, which is neutral and non-polar, with arginine, which is basic and polar, at codon 2409 of the APC protein (p.Gly2409Arg). This variant is not present in population databases (gnomAD no frequency). This variant has not been reported in the literature in individuals affected with APC-related conditions. ClinVar contains an entry for this variant (Variation ID: 485151). Advanced modeling of protein sequence and biophysical properties (such as structural, functional, and spatial information, amino acid conservation, physicochemical variation, residue mobility, and thermodynamic stability) performed at Invitae indicates that this missense variant is not expected to disrupt APC protein function with a negative predictive value of 95%. In summary, the available evidence is currently insufficient to determine the role of this variant in disease. Therefore, it has been classified as a Variant of Uncertain Significance.

Blueprint Genetics
Classification: Uncertain significance. Last evaluated: 2023-10-04. Review status: criteria provided, single submitter. Criteria: ACMG Guidelines, 2015. Collection method: clinical testing. Allele origin: germline.

Color Diagnostics, LLC DBA Color Health
Classification: Uncertain significance for Hereditary cancer-predisposing syndrome. Last evaluated: 2019-05-31. Review status: criteria provided, single submitter. Criteria: ACMG Guidelines, 2015. Collection method: clinical testing. Allele origin: germline.

Literature cited by the submitters: PubMed 36243179 (cited by Quest Diagnostics Nichols Institute San Juan Capistrano).

NM_000038.6(APC):c.7225G>A (p.Gly2409Arg)

Gene: APC (APC regulator of Wnt signaling pathway; plus strand). Cytogenetic location: 5q22.2.
Variant type: single nucleotide variant.
Coding change: c.7225G>A on transcript NM_000038.6 (MANE Select); coding-DNA position 7225, G replaced by A.
Protein change: p.Gly2409Arg; replaces glycine 2409 with arginine.
Molecular consequence: missense variant.
Genome position (GRCh38, 1-based): chr5:112,842,819, G>A. VCF-style: chr5-112842819-G-A. GRCh37 (hg19) VCF-style: chr5-112178516-G-A.
Other names: c.7225G>A, p.Gly2409Arg (NM_001127510.3, NM_001354895.2); c.7171G>A, p.Gly2391Arg (NM_001127511.3); c.7279G>A, p.Gly2427Arg (NM_001354896.2); c.7255G>A, p.Gly2419Arg (NM_001354897.2); c.7150G>A, p.Gly2384Arg (NM_001354898.2); c.7141G>A, p.Gly2381Arg (NM_001354899.2); c.7102G>A, p.Gly2368Arg (NM_001354900.2); c.7048G>A, p.Gly2350Arg (NM_001354901.2); and 5 more; short protein forms G2409R, G2391R, G2126R, G2249R, G2427R, G2308R, G2350R, G2368R.
Identifiers: ClinVar variation 485151 (VCV000485151.19), dbSNP rs1554088147, ClinGen allele CA16037067.